The following is an entry in ClinVar:

NM_000179.3(MSH6):c.810GGA[1] (p.Glu272del)

Gene: MSH6 (mutS homolog 6; plus strand). Cytogenetic location: 2p16.3.
Variant type: Microsatellite.
Coding change: c.810GGA[1] on transcript NM_000179.3 (MANE Select); one copy of the 3-base unit GGA starting at c.810; the reference has two copies in a row; one copy, 3 bases deleted; also written c.813_815del.
Protein change: p.Glu272del; deletes glutamic acid 272.
Molecular consequence: inframe deletion. On other transcripts: 5 prime UTR variant (2).
Genome position (GRCh38, 1-based): chr2:47,798,796-47,798,798, GGA deleted; deleting any 3 consecutive bases within chr2:47,798,792-47,798,798 gives the same sequence; the position shown is the placement nearest the transcript's 3' end. VCF-style (leftmost placement, unchanged base first): chr2-47798791-AAGG-A. GRCh37 (hg19) VCF-style: chr2-48025930-AAGG-A.
Other names: c.420GGA[1], p.Glu142del (NM_001281492.2); c.-97GGA[1] (NM_001281493.2, NM_001281494.2); c.813_815delGGA (NM_000179.2); c.813_815del (NM_000179.3); short protein forms E272del, E142del.
Identifiers: ClinVar variation 187020 (VCV000187020.16), dbSNP rs786203409, ClinGen allele CA016476.

ClinVar aggregate classification (germline): Uncertain significance. Review status: criteria provided, multiple submitters, no conflicts (2 of 4 stars). 4 submissions from 4 submitters: Uncertain significance (4). Last evaluated 2025-08-12.

Conditions:
Hereditary nonpolyposis colorectal neoplasms. Identifiers: MedGen C0009405, MeSH D003123.
Hereditary cancer-predisposing syndrome. Also called: Neoplastic Syndromes, Hereditary; Tumor predisposition; Hereditary Cancer Syndrome; Hereditary neoplastic syndrome. Identifiers: Orphanet 140162, MedGen C0027672, MeSH D009386, MONDO:0015356.
Lynch syndrome. Identifiers: Orphanet 144, MedGen C4552100, MONDO:0005835. Disease mechanism: loss of function.

Submissions (4):

Ambry Genetics
Classification: Uncertain significance for Hereditary cancer-predisposing syndrome. Last evaluated: 2025-08-12. Review status: criteria provided, single submitter. Criteria: Ambry Variant Classification Scheme 2023. Collection method: clinical testing. Allele origin: germline.
Comment: The c.813_815delGGA variant (also known as p.E272del) is located in coding exon 4 of the MSH6 gene. This variant results from an in-frame GGA deletion at nucleotide positions 813 to 815. This results in the in-frame deletion of a glutamic acid at codon 272. This amino acid position is well conserved in available vertebrate species. In addition, this variant is predicted to be neutral by in silico analysis (Choi Y et al. PLoS ONE. 2012; 7(10):e46688). Based on the available evidence, the clinical significance of this variant remains unclear.

Labcorp Genetics (formerly Invitae), Labcorp
Classification: Uncertain significance for Hereditary nonpolyposis colorectal neoplasms. Last evaluated: 2025-06-11. Review status: criteria provided, single submitter. Criteria: Invitae Variant Classification Sherloc (09022015). Collection method: clinical testing. Allele origin: germline.
Comment: This variant, c.813_815del, results in the deletion of 1 amino acid(s) of the MSH6 protein (p.Glu272del), but otherwise preserves the integrity of the reading frame. This variant is not present in population databases (gnomAD no frequency). This variant has not been reported in the literature in individuals affected with MSH6-related conditions. ClinVar contains an entry for this variant (Variation ID: 187020). Experimental studies and prediction algorithms are not available or were not evaluated, and the functional significance of this variant is currently unknown. In summary, the available evidence is currently insufficient to determine the role of this variant in disease. Therefore, it has been classified as a Variant of Uncertain Significance.

All of Us Research Program, National Institutes of Health
Classification: Uncertain significance for Lynch syndrome. Last evaluated: 2023-05-04. Review status: criteria provided, single submitter. Criteria: ACMG Guidelines, 2015. Collection method: clinical testing. Allele origin: germline. Inheritance: Autosomal dominant inheritance. Observed: 1 variant allele, 1 heterozygote.
Comment: This variant causes an in-frame deletion of one amino acid at exon 4 of the MSH6 protein. To our knowledge, functional studies have not been reported for this variant. This variant has not been reported in individuals affected with MSH6-related disorders in the literature. This variant has not been identified in the general population by the Genome Aggregation Database (gnomAD). The available evidence is insufficient to determine the role of this variant in disease conclusively. Therefore, this variant is classified as a Variant of Uncertain Significance.

This study involves interpretation of variants in research participants for the purpose of population health screening. Participant phenotype was not available at the time of variant classification. Additional details can be found in publication PMID: 35346344, PMCID: PMC8962531

Color Diagnostics, LLC DBA Color Health
Classification: Uncertain significance for Hereditary cancer-predisposing syndrome. Last evaluated: 2023-04-20. Review status: criteria provided, single submitter. Criteria: ACMG Guidelines, 2015. Collection method: clinical testing. Allele origin: germline.
Comment: This variant causes an in-frame deletion of one amino acid at exon 4 of the MSH6 protein. To our knowledge, functional studies have not been reported for this variant. This variant has not been reported in individuals affected with MSH6-related disorders in the literature. This variant has not been identified in the general population by the Genome Aggregation Database (gnomAD). The available evidence is insufficient to determine the role of this variant in disease conclusively. Therefore, this variant is classified as a Variant of Uncertain Significance.